The following is an entry in ClinVar:

ClinVar aggregate classification (germline): Uncertain significance. Review status: criteria provided, multiple submitters, no conflicts (2 of 4 stars). 2 submissions from 2 submitters: Uncertain significance (2). Last evaluated 2025-04-11.

Conditions:
Inborn genetic diseases. Identifiers: MedGen C0950123, MeSH D030342.
Psoriasis 2. Identifiers: MedGen C1864497, MONDO:0011269, OMIM 602723.
Pityriasis rubra pilaris (PRP). Also called: Pityriasis rubra pilaris--familial type. Identifiers: Orphanet 2897, MedGen C0032027, MONDO:0100017, OMIM 173200, MONDO:0008251.

Submissions (2):

Ambry Genetics
Classification: Uncertain significance for Inborn genetic diseases. Last evaluated: 2025-04-11. Review status: criteria provided, single submitter. Criteria: Ambry Variant Classification Scheme 2023. Collection method: clinical testing. Allele origin: germline.

Labcorp Genetics (formerly Invitae), Labcorp
Classification: Uncertain significance for Pityriasis rubra pilaris; Psoriasis 2. Last evaluated: 2022-10-13. Review status: criteria provided, single submitter. Criteria: Invitae Variant Classification Sherloc (09022015). Collection method: clinical testing. Allele origin: germline.
Comment: Advanced modeling of protein sequence and biophysical properties (such as structural, functional, and spatial information, amino acid conservation, physicochemical variation, residue mobility, and thermodynamic stability) performed at Invitae indicates that this missense variant is expected to disrupt CARD14 protein function. In summary, the available evidence is currently insufficient to determine the role of this variant in disease. Therefore, it has been classified as a Variant of Uncertain Significance. ClinVar contains an entry for this variant (Variation ID: 1366104). This variant has not been reported in the literature in individuals affected with CARD14-related conditions. This variant is not present in population databases (gnomAD no frequency). This sequence change replaces valine, which is neutral and non-polar, with methionine, which is neutral and non-polar, at codon 819 of the CARD14 protein (p.Val819Met).

NM_001366385.1(CARD14):c.2455G>A (p.Val819Met)

Genes: SGSH (N-sulfoglucosamine sulfohydrolase; minus strand), CARD14 (caspase recruitment domain family member 14; plus strand), LOC126862662 (MED14-independent group 3 enhancer GRCh37_chr17:78178385-78179584; plus strand). Cytogenetic location: 17q25.3.
Variant type: single nucleotide variant.
Coding change: c.2455G>A on transcript NM_001366385.1 (MANE Select); coding-DNA position 2455, G replaced by A.
Protein change: p.Val819Met; replaces valine 819 with methionine.
Molecular consequence: missense variant. On other transcripts: non-coding transcript variant (1).
Genome position (GRCh38, 1-based): chr17:80,205,091, G>A. VCF-style: chr17-80205091-G-A. GRCh37 (hg19) VCF-style: chr17-78178890-G-A.
Other names: c.2455G>A, p.Val819Met (NM_024110.4); c.2455G>A (NM_024110.3); short protein forms V819M.
Identifiers: ClinVar variation 1366104 (VCV001366104.7), dbSNP rs1567903410, ClinGen allele CA401355976.